The following is an entry in ClinVar:

ClinVar aggregate classification (germline): Uncertain significance (1 of 4 stars; one submission).

Allele frequency attached by ClinVar (database versions not stated): gnomAD exomes below 0.00001.
gnomAD v4.1: 1 of 1,613,452 alleles (0.000062%); highest among the groups gnomAD compares: Non-Finnish European, 0.000085%; no homozygotes.

Submission:

Labcorp Genetics (formerly Invitae), Labcorp
Classification: Uncertain significance. Last evaluated: 2022-03-01. Review status: criteria provided, single submitter. Criteria: Invitae Variant Classification Sherloc (09022015). Collection method: clinical testing. Allele origin: germline.
Comment: This variant has not been reported in the literature in individuals affected with MYO7A-related conditions. This variant is not present in population databases (gnomAD no frequency). This sequence change replaces threonine, which is neutral and polar, with isoleucine, which is neutral and non-polar, at codon 354 of the MYO7A protein (p.Thr354Ile). Advanced modeling of protein sequence and biophysical properties (such as structural, functional, and spatial information, amino acid conservation, physicochemical variation, residue mobility, and thermodynamic stability) performed at Invitae indicates that this missense variant is not expected to disrupt MYO7A protein function. In summary, the available evidence is currently insufficient to determine the role of this variant in disease. Therefore, it has been classified as a Variant of Uncertain Significance.

NM_000260.4(MYO7A):c.1061C>T (p.Thr354Ile)

Gene: MYO7A (myosin VIIA; plus strand). Cytogenetic location: 11q13.5.
Variant type: single nucleotide variant.
Coding change: c.1061C>T on transcript NM_000260.4 (MANE Select); coding-DNA position 1061, C replaced by T.
Protein change: p.Thr354Ile; replaces threonine 354 with isoleucine.
Molecular consequence: missense variant.
Genome position (GRCh38, 1-based): chr11:77,159,504, C>T. VCF-style: chr11-77159504-C-T. GRCh37 (hg19) VCF-style: chr11-76870550-C-T.
Other names: c.1061C>T, p.Thr354Ile (NM_001127180.2); c.1028C>T, p.Thr343Ile (NM_001369365.1); short protein forms T343I, T354I.
Identifiers: ClinVar variation 2105093 (VCV002105093.4), dbSNP rs2496811698, ClinGen allele CA381934039.